The following is an entry in ClinVar:

NM_005618.4(DLL1):c.327_351+36del

Gene: DLL1 (delta like canonical Notch ligand 1; minus strand). Cytogenetic location: 6q27.
Variant type: Deletion.
Coding change: c.327_351+36del on transcript NM_005618.4 (MANE Select); coding-DNA position 327 through 36 bases into the intron after coding-DNA position 351, 61 bases deleted.
Molecular consequence: splice donor variant.
Genome position (GRCh38, 1-based): chr6:170,289,476-170,289,536, 61 bases deleted. GRCh37 (hg19): chr6:170,598,565-170,598,625.
Identifiers: ClinVar variation 2499031 (VCV002499031.28), dbSNP rs2483362480, ClinGen allele CA2580075330.

ClinVar aggregate classification (germline): Likely pathogenic (1 of 4 stars; one submission).

Submission:

CeGaT Center for Human Genetics Tuebingen
Classification: Likely pathogenic. Last evaluated: 2023-03-01. Review status: criteria provided, single submitter. Criteria: CeGaT Center For Human Genetics Tuebingen Variant Classification Criteria Version 2. Collection method: clinical testing. Allele origin: germline. Affected: yes. Observed: 1 variant allele.
Comment: DLL1: PVS1:Strong, PM2